The following is an entry in ClinVar:

NM_031372.4(HNRNPDL):c.262C>T (p.Arg88Cys)

Gene: HNRNPDL (heterogeneous nuclear ribonucleoprotein D like; minus strand). Cytogenetic location: 4q21.22.
Variant type: single nucleotide variant.
Coding change: c.262C>T on transcript NM_031372.4 (MANE Select); coding-DNA position 262, C replaced by T.
Protein change: p.Arg88Cys; replaces arginine 88 with cysteine.
Molecular consequence: missense variant. On other transcripts: non-coding transcript variant (1).
Genome position (GRCh38, 1-based): chr4:82,429,429, G>A on the plus strand (C>T on the coding strand, the complement: HNRNPDL is on the minus strand). VCF-style: chr4-82429429-G-A. GRCh37 (hg19) VCF-style: chr4-83350582-G-A.
Other names: c.262C>T, p.Arg88Cys (NM_001207000.1); short protein forms R88C.
Identifiers: ClinVar variation 2910940 (VCV002910940.25), dbSNP rs375688116, ClinGen allele CA2985095.

ClinVar aggregate classification (germline): Uncertain significance. Review status: criteria provided, multiple submitters, no conflicts (2 of 4 stars). 2 submissions from 2 submitters: Uncertain significance (2). Last evaluated 2025-08-06.

Conditions:
Autosomal dominant limb-girdle muscular dystrophy type 1G (LGMDD3). Also called: Limb-girdle muscular dystrophy, type 1G; MUSCULAR DYSTROPHY, LIMB-GIRDLE, AUTOSOMAL DOMINANT 3. Identifiers: Orphanet 55596, MedGen C1836765, MONDO:0012193, OMIM 609115.

Allele frequency attached by ClinVar (database versions not stated): gnomAD 0.00001; TOPMed 0.00002; ESP Exome Variant Server 0.00008.

Submissions (2):

Labcorp Genetics (formerly Invitae), Labcorp
Classification: Uncertain significance for Autosomal dominant limb-girdle muscular dystrophy type 1G. Last evaluated: 2025-08-06. Review status: criteria provided, single submitter. Criteria: Invitae Variant Classification Sherloc (09022015). Collection method: clinical testing. Allele origin: germline.
Comment: This sequence change replaces arginine, which is basic and polar, with cysteine, which is neutral and slightly polar, at codon 88 of the HNRNPDL protein (p.Arg88Cys). The frequency data for this variant in the population databases is considered unreliable, as metrics indicate poor data quality at this position in the gnomAD database. This variant has not been reported in the literature in individuals affected with HNRNPDL-related conditions. ClinVar contains an entry for this variant (Variation ID: 2910940). An algorithm developed to predict the effect of missense changes on protein structure and function (PolyPhen-2) suggests that this variant is likely to be disruptive. In summary, the available evidence is currently insufficient to determine the role of this variant in disease. Therefore, it has been classified as a Variant of Uncertain Significance.

CeGaT Center for Human Genetics Tuebingen
Classification: Uncertain significance. Last evaluated: 2024-02-01. Review status: criteria provided, single submitter. Criteria: CeGaT Center For Human Genetics Tuebingen Variant Classification Criteria Version 2. Collection method: clinical testing. Allele origin: germline. Affected: yes. Observed: 1 variant allele.